The following is an entry in ClinVar:

ClinVar aggregate classification (germline): Likely benign (1 of 4 stars; one submission).

gnomAD v4.1: 144 of 1,614,182 alleles (0.0089%); highest among the groups gnomAD compares: Middle Eastern, 0.049%; 1 homozygote.

Submission:

CeGaT Center for Human Genetics Tuebingen
Classification: Likely benign. Last evaluated: 2026-02-01. Review status: criteria provided, single submitter. Criteria: CeGaT Center For Human Genetics Tuebingen Variant Classification Criteria Version 2. Collection method: clinical testing. Allele origin: germline. Affected: yes. Observed: 1 variant allele.
Comment: WDR37: BP4, BP7

NM_014023.4(WDR37):c.471C>T (p.Asp157=)

Gene: WDR37 (WD repeat domain 37; plus strand). Cytogenetic location: 10p15.3.
Variant type: single nucleotide variant.
Coding change: c.471C>T on transcript NM_014023.4 (MANE Select); coding-DNA position 471, C replaced by T.
Protein change: p.Asp157=; no amino-acid change (aspartic acid 157 retained).
Molecular consequence: synonymous variant.
Genome position (GRCh38, 1-based): chr10:1,084,477, C>T. VCF-style: chr10-1084477-C-T. GRCh37 (hg19) VCF-style: chr10-1130417-C-T.
Identifiers: ClinVar variation 4821471 (VCV004821471.4).